The following is an entry in ClinVar:

ClinVar aggregate classification (germline): Uncertain significance. Review status: criteria provided, multiple submitters, no conflicts (2 of 4 stars). 2 submissions from 2 submitters: Uncertain significance (2). Last evaluated 2023-08-22.

Conditions:
Isolated microphthalmia 5. Also called: Posterior Microphthalmia with Retinitis Pigmentosa, Foveoschisis, and Optic Disc Drusen. Identifiers: Orphanet 251279, MedGen C1970236, MONDO:0012605, OMIM 611040.

Allele frequency attached by ClinVar (database versions not stated): TOPMed 0.00007; gnomAD exomes 0.00008 and 0.00004; gnomAD 0.00009; ExAC 0.00007.
gnomAD v4.1: 82 of 1,613,304 alleles (0.0051%); highest among the groups gnomAD compares: African/African-American, 0.023%; no homozygotes.

Submissions (2):

Blueprint Genetics
Classification: Uncertain significance. Last evaluated: 2023-08-22. Review status: criteria provided, single submitter. Criteria: ACMG Guidelines, 2015. Collection method: clinical testing. Allele origin: germline.

Labcorp Genetics (formerly Invitae), Labcorp
Classification: Uncertain significance for Isolated microphthalmia 5. Last evaluated: 2022-10-24. Review status: criteria provided, single submitter. Criteria: Invitae Variant Classification Sherloc (09022015). Collection method: clinical testing. Allele origin: germline.
Comment: This sequence change replaces glycine, which is neutral and non-polar, with arginine, which is basic and polar, at codon 336 of the MFRP protein (p.Gly336Arg). This variant is present in population databases (rs553614519, gnomAD 0.02%). This variant has not been reported in the literature in individuals affected with MFRP-related conditions. ClinVar contains an entry for this variant (Variation ID: 854493). Algorithms developed to predict the effect of missense changes on protein structure and function (SIFT, PolyPhen-2, Align-GVGD) all suggest that this variant is likely to be disruptive. In summary, the available evidence is currently insufficient to determine the role of this variant in disease. Therefore, it has been classified as a Variant of Uncertain Significance.

NM_031433.4(MFRP):c.1006G>A (p.Gly336Arg)

Genes: C1QTNF5 (C1q and TNF related 5; minus strand), MFRP (membrane frizzled-related protein; minus strand). Cytogenetic location: 11q23.3.
Variant type: single nucleotide variant.
Coding change: c.1006G>A on transcript NM_031433.4 (MANE Select); coding-DNA position 1006, G replaced by A.
Protein change: p.Gly336Arg; replaces glycine 336 with arginine.
Molecular consequence: missense variant. On other transcripts: 5 prime UTR variant (1).
Genome position (GRCh38, 1-based): chr11:119,343,934, C>T on the plus strand (G>A on the coding strand, the complement: MFRP is on the minus strand). VCF-style: chr11-119343934-C-T. GRCh37 (hg19) VCF-style: chr11-119214644-C-T.
Other names: c.-1631G>A (NM_015645.5); short protein forms G336R.
Identifiers: ClinVar variation 854493 (VCV000854493.7), dbSNP rs553614519, ClinGen allele CA6320283.
Genomic context (GRCh38, chr11:119,343,934, plus strand): 5'-ACTTGCACTCGTCCTGAGCCTCCAGGCTGAAGTTGTGGAACTGTAGTTCTATGCTGTGTC[C>T]GGCAGGCACCGAGATATGCCAGGTGCAGAGCTGGGGGAGGGCATAGGTGGAGCAATTCAT-3'
Protein context (NP_113621.1, residues 326-346): LCTWHISVPA[Gly336Arg]HSIELQFHNF